The following is an entry in ClinVar:

NM_130384.3(ATRIP):c.478AGA[1] (p.Arg161del)

Genes: ATRIP (ATR interacting protein; plus strand), ATRIP-TREX1 (ATRIP-TREX1 readthrough; plus strand). Cytogenetic location: 3p21.31.
Variant type: Microsatellite.
Coding change: c.478AGA[1] on transcript NM_130384.3 (MANE Select); one copy of the 3-base unit AGA starting at c.478; the reference has two copies in a row; one copy, 3 bases deleted.
Protein change: p.Arg161del; deletes arginine 161.
Molecular consequence: inframe deletion. On other transcripts: non-coding transcript variant (1).
Genome position (GRCh38, 1-based): chr3:48,451,828-48,451,830, AGA deleted; deleting any 3 consecutive bases within chr3:48,451,825-48,451,830 gives the same sequence; the position shown is the placement nearest the transcript's 3' end. VCF-style (leftmost placement, unchanged base first): chr3-48451824-GAGA-G. GRCh37 (hg19) VCF-style: chr3-48493230-GAGA-G.
Other names: c.97AGA[1], p.Arg34del (NM_001271022.2); c.199AGA[1], p.Arg68del (NM_001271023.2); c.478AGA[1], p.Arg161del (NM_032166.4); short protein forms R34del, R68del, R161del.
Identifiers: ClinVar variation 4644556 (VCV004644556.1).

ClinVar aggregate classification (germline): Uncertain significance (1 of 4 stars; one submission).

Submission:

Ambry Genetics
Classification: Uncertain significance. Last evaluated: 2025-10-24. Review status: criteria provided, single submitter. Criteria: Ambry Variant Classification Scheme 2023. Collection method: clinical testing. Allele origin: germline.
Comment: The c.481_483delAGA variant (also known as p.R161del) is located in coding exon 3 of the ATRIP gene. This variant results from an in-frame AGA deletion at nucleotide positions 481 to 483. This results in the in-frame deletion of an arginine at codon 161. The evidence for this gene-disease relationship is limited; therefore, the clinical significance of this alteration is unclear.